The following is an entry in ClinVar:

NM_001394372.1(BICRA):c.3676C>T (p.Pro1226Ser)

Gene: BICRA (BRD4 interacting chromatin remodeling complex associated protein; plus strand). Cytogenetic location: 19q13.33.
Variant type: single nucleotide variant.
Coding change: c.3676C>T on transcript NM_001394372.1 (MANE Select); coding-DNA position 3676, C replaced by T.
Protein change: p.Pro1226Ser; replaces proline 1226 with serine.
Molecular consequence: missense variant.
Genome position (GRCh38, 1-based): chr19:47,701,408, C>T. VCF-style: chr19-47701408-C-T. GRCh37 (hg19) VCF-style: chr19-48204665-C-T.
Other names: c.3676C>T, p.Pro1226Ser (NM_015711.3); short protein forms P1226S.
Identifiers: ClinVar variation 2431743 (VCV002431743.2), dbSNP rs1316865855, ClinGen allele CA406612781.

ClinVar aggregate classification (germline): Uncertain significance (1 of 4 stars; one submission).

Conditions:
Coffin-Siris syndrome 12. Identifiers: MedGen C5444111, MONDO:0025699, OMIM 619325.

Submission:

Laboratorio de Genetica e Diagnostico Molecular, Hospital Israelita Albert Einstein
Classification: Uncertain significance for Coffin-Siris syndrome 12. Last evaluated: 2022-09-23. Review status: criteria provided, single submitter. Criteria: ACMG Guidelines, 2015. Collection method: clinical testing. Allele origin: germline. Affected: yes.
Comment: ACMG classification criteria: PM2 moderated, BP4 supporting